The following is an entry in ClinVar:

NM_181523.3(PIK3R1):c.504T>A (p.Asp168Glu)

Gene: PIK3R1 (phosphoinositide-3-kinase regulatory subunit 1; plus strand). Cytogenetic location: 5q13.1.
Variant type: single nucleotide variant.
Coding change: c.504T>A on transcript NM_181523.3 (MANE Select); coding-DNA position 504, T replaced by A.
Protein change: p.Asp168Glu; replaces aspartic acid 168 with glutamic acid.
Molecular consequence: missense variant.
Genome position (GRCh38, 1-based): chr5:68,279,603, T>A. VCF-style: chr5-68279603-T-A. GRCh37 (hg19) VCF-style: chr5-67575431-T-A.
Other names: short protein forms D168E.
Identifiers: ClinVar variation 575186 (VCV000575186.9), dbSNP rs758929943, ClinGen allele CA3290057.

ClinVar aggregate classification (germline): Uncertain significance (1 of 4 stars; one submission).

Conditions:
SHORT syndrome. Also called: PIK3R1-Related SHORT Syndrome; SHORT STATURE, HYPEREXTENSIBILITY, HERNIA, OCULAR DEPRESSION, RIEGER ANOMALY, AND TEETHING DELAY; LIPODYSTROPHY, PARTIAL, WITH RIEGER ANOMALY AND SHORT STATURE. Identifiers: Orphanet 3163, MedGen C0878684, MONDO:0010026, OMIM 269880.
Immunodeficiency 36 with lymphoproliferation. Also called: Immunodeficiency 36; ACTIVATED PI3K-DELTA SYNDROME 2; Activated PI3K Delta Syndrome Type 2 (APDS2). Identifiers: Orphanet 397596, Orphanet 693681, MedGen C4014934, MONDO:0014453, OMIM 616005.
Agammaglobulinemia 7, autosomal recessive (AGM7). Also called: AGAMMAGLOBULINEMIA, AUTOSOMAL RECESSIVE, DUE TO PIK3R1 DEFECT. Identifiers: MedGen C3554689, MONDO:0014083, OMIM 615214.

Allele frequency attached by ClinVar (database versions not stated): ExAC 0.00002; TOPMed 0.00003; gnomAD 0.00004.
gnomAD v4.1: 125 of 1,612,924 alleles (0.0077%); highest among the groups gnomAD compares: Non-Finnish European, 0.01%; no homozygotes.

Submission:

Labcorp Genetics (formerly Invitae), Labcorp
Classification: Uncertain significance for SHORT syndrome; Immunodeficiency 36 with lymphoproliferation; Agammaglobulinemia 7, autosomal recessive. Last evaluated: 2024-08-19. Review status: criteria provided, single submitter. Criteria: Invitae Variant Classification Sherloc (09022015). Collection method: clinical testing. Allele origin: germline.
Comment: This sequence change replaces aspartic acid, which is acidic and polar, with glutamic acid, which is acidic and polar, at codon 168 of the PIK3R1 protein (p.Asp168Glu). This variant is present in population databases (rs758929943, gnomAD 0.008%). This variant has not been reported in the literature in individuals affected with PIK3R1-related conditions. ClinVar contains an entry for this variant (Variation ID: 575186). An algorithm developed to predict the effect of missense changes on protein structure and function (PolyPhen-2) suggests that this variant is likely to be tolerated. In summary, the available evidence is currently insufficient to determine the role of this variant in disease. Therefore, it has been classified as a Variant of Uncertain Significance.